The following is an entry in ClinVar:

NM_000384.3(APOB):c.9217A>G (p.Asn3073Asp)

Gene: APOB (apolipoprotein B; minus strand). Cytogenetic location: 2p24.1.
Variant type: single nucleotide variant.
Coding change: c.9217A>G on transcript NM_000384.3 (MANE Select); coding-DNA position 9217, A replaced by G.
Protein change: p.Asn3073Asp; replaces asparagine 3073 with aspartic acid.
Molecular consequence: missense variant.
Genome position (GRCh38, 1-based): chr2:21,007,651, T>C on the plus strand (A>G on the coding strand, the complement: APOB is on the minus strand). VCF-style: chr2-21007651-T-C. GRCh37 (hg19) VCF-style: chr2-21230523-T-C.
Other names: short protein forms N3073D.
Identifiers: ClinVar variation 3361138 (VCV003361138.1).

ClinVar aggregate classification (germline): Uncertain significance (1 of 4 stars; one submission).

gnomAD v4.1: 8 of 1,614,128 alleles (0.0005%); highest among the groups gnomAD compares: Middle Eastern, 0.017%; no homozygotes.

Submission:

GeneDx
Classification: Uncertain significance. Last evaluated: 2023-07-24. Review status: criteria provided, single submitter. Criteria: GeneDx Variant Classification Process June 2021. Collection method: clinical testing. Allele origin: germline. Affected: yes.
Comment: Not observed at significant frequency in large population cohorts (gnomAD); In silico analysis supports that this missense variant does not alter protein structure/function; Has not been previously published as pathogenic or benign to our knowledge; Also known as N3046D